The following is an entry in ClinVar:

NM_016111.4(TELO2):c.1225G>A (p.Val409Met)

Gene: TELO2 (telomere maintenance 2; plus strand). Cytogenetic location: 16p13.3.
Variant type: single nucleotide variant.
Coding change: c.1225G>A on transcript NM_016111.4 (MANE Select); coding-DNA position 1225, G replaced by A.
Protein change: p.Val409Met; replaces valine 409 with methionine.
Molecular consequence: missense variant.
Genome position (GRCh38, 1-based): chr16:1,500,643, G>A. VCF-style: chr16-1500643-G-A. GRCh37 (hg19) VCF-style: chr16-1550644-G-A.
Other names: c.1225G>A, p.Val409Met (NM_001351846.2); short protein forms V409M.
Identifiers: ClinVar variation 1951501 (VCV001951501.5), dbSNP rs1382561245, ClinGen allele CA394212885.
Genomic context (GRCh38, chr16:1,500,643, plus strand): 5'-GCGGGCGTGAAGTGCCGCCTGGACAGTAGCCTGCCCCCCGTGCGACGCCTGGGCATGATC[G>A]TGGCAGAGGTCGTTAGTGCCCGGATCCACCCCGAGGGGCCTCCCCTGAAATTCCAGGTGA-3'
Protein context (NP_057195.2, residues 399-419): LPPVRRLGMI[Val409Met]AEVVSARIHP

ClinVar aggregate classification (germline): Uncertain significance (1 of 4 stars; one submission).

Allele frequency attached by ClinVar (database versions not stated): gnomAD 0.00001; gnomAD exomes 0.00001.
gnomAD v4.1: 5 of 1,612,452 alleles (0.00031%); highest among the groups gnomAD compares: African/African-American, 0.0027%; no homozygotes.

Submission:

Labcorp Genetics (formerly Invitae), Labcorp
Classification: Uncertain significance. Last evaluated: 2022-07-11. Review status: criteria provided, single submitter. Criteria: Invitae Variant Classification Sherloc (09022015). Collection method: clinical testing. Allele origin: germline.
Comment: This variant has not been reported in the literature in individuals affected with TELO2-related conditions. In summary, the available evidence is currently insufficient to determine the role of this variant in disease. Therefore, it has been classified as a Variant of Uncertain Significance. Algorithms developed to predict the effect of missense changes on protein structure and function are either unavailable or do not agree on the potential impact of this missense change (SIFT: "Deleterious"; PolyPhen-2: "Probably Damaging"; Align-GVGD: "Class C0"). This variant is present in population databases (no rsID available, gnomAD 0.004%). This sequence change replaces valine, which is neutral and non-polar, with methionine, which is neutral and non-polar, at codon 409 of the TELO2 protein (p.Val409Met).